The following is an entry in ClinVar:

ClinVar aggregate classification (germline): Pathogenic (1 of 4 stars; one submission).

Submission:

Labcorp Genetics (formerly Invitae), Labcorp
Classification: Pathogenic. Last evaluated: 2022-07-22. Review status: criteria provided, single submitter. Criteria: Invitae Variant Classification Sherloc (09022015). Collection method: clinical testing. Allele origin: germline.
Comment: This variant is a gross deletion of the genomic region encompassing exon(s) 2-6 of the AUTS2 gene. This deletion is out-of-frame, and is expected to create a premature termination codon and result in an absent or disrupted protein product. Loss-of-function variants in AUTS2 are known to be pathogenic (PMID: 25205402, 27075013). This variant has not been reported in the literature in individuals affected with AUTS2-related conditions. For these reasons, this variant has been classified as Pathogenic.

Literature cited by the submitters: PubMed 25205402; PubMed 27075013.

NC_000007.13:g.(?_69092299)_(70193818_?)del

Gene: AUTS2 (activator of transcription and developmental regulator AUTS2; plus strand). Cytogenetic location: 7q11.22.
Variant type: Deletion.
Identifiers: ClinVar variation 1456517 (VCV001456517.6).